The following is an entry in ClinVar:

NM_000474.4(TWIST1):c.476T>C (p.Leu159Pro)

Genes: TWIST1 (twist family bHLH transcription factor 1; minus strand), LOC129998021 (ATAC-STARR-seq lymphoblastoid active region 25682; plus strand). Cytogenetic location: 7p21.1.
Variant type: single nucleotide variant.
Coding change: c.476T>C on transcript NM_000474.4 (MANE Select); coding-DNA position 476, T replaced by C.
Protein change: p.Leu159Pro; replaces leucine 159 with proline.
Molecular consequence: missense variant. On other transcripts: non-coding transcript variant (1).
Genome position (GRCh38, 1-based): chr7:19,116,846, A>G on the plus strand (T>C on the coding strand, the complement: TWIST1 is on the minus strand). VCF-style: chr7-19116846-A-G. GRCh37 (hg19) VCF-style: chr7-19156469-A-G.
Other names: short protein forms L159P.
Identifiers: ClinVar variation 647985 (VCV000647985.12), dbSNP rs1585616825, ClinGen allele CA367015353.

ClinVar aggregate classification (germline): Uncertain significance. Review status: criteria provided, multiple submitters, no conflicts (2 of 4 stars). 2 submissions from 2 submitters: Uncertain significance (2). Last evaluated 2023-12-11.

Conditions:
TWIST1-related craniosynostosis (CRS1). Also called: CRANIOSYNOSTOSIS 1. Identifiers: Orphanet 63440, MedGen C4551902, MONDO:0007399, OMIM 123100. Inheritance: Heterogenous inheritance pattern.
Saethre-Chotzen syndrome (SCS). Also called: ACS III; ACROCEPHALY, SKULL ASYMMETRY, AND MILD SYNDACTYLY; CHOTZEN SYNDROME. Identifiers: Orphanet 794, MedGen C0175699, MONDO:0007042, OMIM 101400.

Submissions (2):

Blueprint Genetics
Classification: Uncertain significance. Last evaluated: 2023-12-11. Review status: criteria provided, single submitter. Criteria: ACMG Guidelines, 2015. Collection method: clinical testing. Allele origin: germline.

Labcorp Genetics (formerly Invitae), Labcorp
Classification: Uncertain significance for TWIST1-related craniosynostosis; Saethre-Chotzen syndrome. Last evaluated: 2019-03-29. Review status: criteria provided, single submitter. Criteria: Invitae Variant Classification Sherloc (09022015). Collection method: clinical testing. Allele origin: germline.
Comment: In summary, the available evidence is currently insufficient to determine the role of this variant in disease. Therefore, it has been classified as a Variant of Uncertain Significance. This sequence change replaces leucine with proline at codon 159 of the TWIST1 protein (p.Leu159Pro). The leucine residue is highly conserved and there is a moderate physicochemical difference between leucine and proline. This variant disrupts the p.Leu159 amino acid residue in TWIST1. Other variant(s) that disrupt this residue have been observed in individuals with TWIST1-related conditions (PMID: 10094188), which suggests that this may be a clinically significant amino acid residue. Algorithms developed to predict the effect of missense changes on protein structure and function are either unavailable or do not agree on the potential impact of this missense change (SIFT: "Deleterious"; PolyPhen-2: "Probably Damaging"; Align-GVGD: "Class C0"). This variant has been observed in a family affected with craniosynostosis (Invitae). This variant is not present in population databases (ExAC no frequency).

Literature cited by the submitters: PubMed 10094188 (cited by Labcorp Genetics (formerly Invitae), Labcorp).